The following is an entry in ClinVar:

NM_001261826.3(AP3D1):c.265A>C (p.Thr89Pro)

Gene: AP3D1 (adaptor related protein complex 3 subunit delta 1; minus strand). Cytogenetic location: 19p13.3.
Variant type: single nucleotide variant.
Coding change: c.265A>C on transcript NM_001261826.3 (MANE Select); coding-DNA position 265, A replaced by C.
Protein change: p.Thr89Pro; replaces threonine 89 with proline.
Molecular consequence: missense variant.
Genome position (GRCh38, 1-based): chr19:2,137,735, T>G on the plus strand (A>C on the coding strand, the complement: AP3D1 is on the minus strand). VCF-style: chr19-2137735-T-G. GRCh37 (hg19) VCF-style: chr19-2137734-T-G.
Other names: c.265A>C, p.Thr89Pro (NM_001374799.1, NM_003938.8); short protein forms T89P.
Identifiers: ClinVar variation 3691519 (VCV003691519.2).

ClinVar aggregate classification (germline): Uncertain significance (1 of 4 stars; one submission).

gnomAD v4.1: 3 of 1,613,900 alleles (0.00019%); highest among the groups gnomAD compares: Non-Finnish European, 0.00025%; no homozygotes.

Submission:

Labcorp Genetics (formerly Invitae), Labcorp
Classification: Uncertain significance. Last evaluated: 2024-02-14. Review status: criteria provided, single submitter. Criteria: Invitae Variant Classification Sherloc (09022015). Collection method: clinical testing. Allele origin: germline.
Comment: This sequence change replaces threonine, which is neutral and polar, with proline, which is neutral and non-polar, at codon 89 of the AP3D1 protein (p.Thr89Pro). This variant is present in population databases (rs765911355, gnomAD 0.0009%). This variant has not been reported in the literature in individuals affected with AP3D1-related conditions. An algorithm developed to predict the effect of missense changes on protein structure and function (PolyPhen-2) suggests that this variant is likely to be disruptive. In summary, the available evidence is currently insufficient to determine the role of this variant in disease. Therefore, it has been classified as a Variant of Uncertain Significance.